The following is an entry in ClinVar:

NM_022168.4(IFIH1):c.1095+1G>T

Gene: IFIH1 (interferon induced with helicase C domain 1; minus strand). Cytogenetic location: 2q24.2.
Variant type: single nucleotide variant.
Coding change: c.1095+1G>T on transcript NM_022168.4 (MANE Select); the canonical splice donor site of the intron after coding-DNA position 1095, G replaced by T.
Molecular consequence: splice donor variant.
Genome position (GRCh38, 1-based): chr2:162,288,134, C>A on the plus strand (G>T on the coding strand, the complement: IFIH1 is on the minus strand). VCF-style: chr2-162288134-C-A. GRCh37 (hg19) VCF-style: chr2-163144644-C-A.
Identifiers: ClinVar variation 541778 (VCV000541778.9), dbSNP rs140125523, ClinGen allele CA1934633.
Genomic context (GRCh38, chr2:162,288,134, plus strand): 5'-ATAAAAGTTTCAGAATAATACAATGAAAATGATCAACTAGTGTTATGTGTTCTTTGAATA[C>A]CTTATTGACAAGAACTATAACTTTTCCAGGCTCAGATGCTTTTTTCTTCTTGTCTAAGTG-3'

ClinVar aggregate classification (germline): Uncertain significance (1 of 4 stars; one submission).

Conditions:
Aicardi-Goutieres syndrome 7 (AGS7). Identifiers: Orphanet 51, MedGen C3888244, MONDO:0014367, OMIM 615846.
Singleton-Merten syndrome 1 (SGMRT1). Also called: Widened medullary cavities of bone, aortic calcification, abnormal dentition, and muscular weakness; Syndrome of widened medullary cavities of the metacarpals and phalanges, aortic calcification and abnormal dentition. Identifiers: Orphanet 85191, MedGen C4225427, MONDO:0024535, OMIM 182250.

Allele frequency attached by ClinVar (database versions not stated): TOPMed 0.00002.
gnomAD v4.1: 7 of 1,585,614 alleles (0.00044%); highest among the groups gnomAD compares: Admixed American, 0.0017%; no homozygotes.

Submission:

Labcorp Genetics (formerly Invitae), Labcorp
Classification: Uncertain significance for Aicardi-Goutieres syndrome 7; Singleton-Merten syndrome 1. Last evaluated: 2024-12-09. Review status: criteria provided, single submitter. Criteria: Invitae Variant Classification Sherloc (09022015). Collection method: clinical testing. Allele origin: germline.
Comment: This sequence change affects a donor splice site in intron 5 of the IFIH1 gene. It is expected to disrupt RNA splicing. Variants that disrupt the donor or acceptor splice site typically lead to a loss of protein function (PMID: 16199547), however the current clinical and genetic evidence is not sufficient to establish whether loss-of-function variants in IFIH1 cause disease. This variant is present in population databases (rs140125523, gnomAD 0.006%). This variant has not been reported in the literature in individuals affected with IFIH1-related conditions. ClinVar contains an entry for this variant (Variation ID: 541778). Algorithms developed to predict the effect of sequence changes on RNA splicing suggest that this variant may disrupt the consensus splice site. In summary, the available evidence is currently insufficient to determine the role of this variant in disease. Therefore, it has been classified as a Variant of Uncertain Significance.

Literature cited by the submitters: PubMed 16199547.